The following is an entry in ClinVar:

NM_032977.4(CASP10):c.923-3C>A

Gene: CASP10 (caspase 10; plus strand). Cytogenetic location: 2q33.1.
Variant type: single nucleotide variant.
Coding change: c.923-3C>A on transcript NM_032977.4 (MANE Select); 3 bases into the intron before coding-DNA position 923, C replaced by A.
Molecular consequence: intron variant.
Genome position (GRCh38, 1-based): chr2:201,209,067, C>A. VCF-style: chr2-201209067-C-A. GRCh37 (hg19) VCF-style: chr2-202073790-C-A.
Other names: NC_000002.11:g.202073790C>A; c.923-3C>A (NM_032974.5); c.794-3C>A (NM_001206542.2, NM_001230.5); c.*9-3C>A (NM_032976.4); c.722-3C>A (NM_001206524.2).
Identifiers: ClinVar variation 1690979 (VCV001690979.4), dbSNP rs6753900, ClinGen allele CA2053141.
Genomic context (GRCh38, chr2:201,209,067, plus strand): 5'-CATTTTATTATTTCCCCTTTCTCTCTCTCTCTCTCTTTTTTTTTTTTTTTTGTTTTTAAA[C>A]AGAGATCCTGAGTCATGTGTTCCAGTGGCTTGGGTTCACAGTGCATATACACAATAATGT-3'

ClinVar aggregate classification (germline): Conflicting classifications of pathogenicity. Review status: criteria provided, conflicting classifications (1 of 4 stars). 2 submissions from 2 submitters: Uncertain significance (1); Likely benign (1). Last evaluated 2023-11-17.

Allele frequency attached by ClinVar (database versions not stated): 1000 Genomes Project 30x 0.00484.

Submissions (4):

Blueprint Genetics
Classification: Likely benign. Last evaluated: 2023-11-17. Review status: criteria provided, single submitter. Criteria: ACMG Guidelines, 2015. Collection method: clinical testing. Allele origin: germline.

Laboratorio de Genetica e Diagnostico Molecular, Hospital Israelita Albert Einstein
Classification: Uncertain significance. Last evaluated: 2020-12-03. Review status: criteria provided, single submitter. Criteria: ACMG Guidelines, 2015. Collection method: clinical testing. Allele origin: germline. Affected: yes.
Comment: ACMG classification criteria: PM2, PM3

Dr. Peter K. Rogan Lab, Western University
No classification provided (evidence only). Condition: Familial pancreatic carcinoma. Review status: no classification provided. Collection method: in vitro. Allele origin: not applicable. Functional consequence: skipped exon. Not counted in ClinVar's aggregate classification.

Dr. Peter K. Rogan Lab, Western University
No classification provided (evidence only). Condition: Familial pancreatic carcinoma. Review status: no classification provided. Collection method: in vitro. Allele origin: not applicable. Functional consequence: retained intron. Not counted in ClinVar's aggregate classification.